The following is an entry in ClinVar:

NM_001734.5(C1S):c.213+4T>C

Gene: C1S (complement C1s; plus strand). Cytogenetic location: 12p13.31.
Variant type: single nucleotide variant.
Coding change: c.213+4T>C on transcript NM_001734.5 (MANE Select); 4 bases into the intron after coding-DNA position 213, T replaced by C.
Molecular consequence: intron variant.
Genome position (GRCh38, 1-based): chr12:7,062,686, T>C. VCF-style: chr12-7062686-T-C. GRCh37 (hg19) VCF-style: chr12-7169990-T-C.
Other names: c.213+4T>C (NM_201442.4); c.-288-204T>C (NM_001346850.2).
Identifiers: ClinVar variation 1399645 (VCV001399645.14), dbSNP rs782026056, ClinGen allele CA6423334.
Genomic context (GRCh38, chr12:7,062,686, plus strand): 5'-TACTTCACCCATCTGGACATTGAGCTGTCAGAGAACTGTGCGTATGACTCAGTGCAGGTA[T>C]GTTATAAGCACAAAAAGAATAGAGATGGAAGACTAGGGCTAAGGTAGCGGAATAAGGATG-3'

ClinVar aggregate classification (germline): Conflicting classifications of pathogenicity. Review status: criteria provided, conflicting classifications (1 of 4 stars). 4 submissions from 4 submitters: Uncertain significance (2); Likely benign (2). Last evaluated 2026-01-18.

Allele frequency attached by ClinVar (database versions not stated): gnomAD exomes 0.00004 and 0.00012; ExAC 0.00005; TOPMed 0.00006; gnomAD 0.00008 and 0.00009.
gnomAD v4.1: 191 of 1,611,556 alleles (0.012%); highest among the groups gnomAD compares: Non-Finnish European, 0.015%; no homozygotes.

Submissions (4):

Labcorp Genetics (formerly Invitae), Labcorp
Classification: Uncertain significance. Last evaluated: 2026-01-18. Review status: criteria provided, single submitter. Criteria: Invitae Variant Classification Sherloc (09022015). Collection method: clinical testing. Allele origin: germline.
Comment: This sequence change falls in intron 3 of the C1S gene. It does not directly change the encoded amino acid sequence of the C1S protein. It affects a nucleotide within the consensus splice site. This variant is present in population databases (rs782026056, gnomAD 0.01%). This variant has not been reported in the literature in individuals affected with C1S-related conditions. ClinVar contains an entry for this variant (Variation ID: 1399645). Variants that disrupt the consensus splice site are a relatively common cause of aberrant splicing (PMID: 17576681, 9536098). Algorithms developed to predict the effect of sequence changes on RNA splicing suggest that this variant is not likely to affect RNA splicing. In summary, the available evidence is currently insufficient to determine the role of this variant in disease. Therefore, it has been classified as a Variant of Uncertain Significance.

CeGaT Center for Human Genetics Tuebingen
Classification: Likely benign. Last evaluated: 2025-11-01. Review status: criteria provided, single submitter. Criteria: CeGaT Center For Human Genetics Tuebingen Variant Classification Criteria Version 2. Collection method: clinical testing. Allele origin: germline. Affected: yes. Observed: 1 variant allele.
Comment: C1S: BP4

Women's Health and Genetics/Laboratory Corporation of America, LabCorp
Classification: Uncertain significance. Last evaluated: 2025-09-03. Review status: criteria provided, single submitter. Criteria: LabCorp Variant Classification Summary - May 2015. Collection method: clinical testing. Allele origin: germline.
Comment: Variant summary: C1S c.213+4T>C alters a non-conserved nucleotide located close to a canonical splice site and therefore could affect mRNA splicing, leading to a significantly altered protein sequence. Consensus agreement among computation tools predict no significant impact on normal splicing. However, these predictions have yet to be confirmed by functional studies. The variant allele was found at a frequency of 4.4e-05 in 250888 control chromosomes, predominantly at a frequency of 9.7e-05 within the Non-Finnish European subpopulation in the gnomAD database. This frequency is not significantly higher than estimated for disease-causing variants in C1S, allowing no conclusion about variant significance. To our knowledge, no occurrence of c.213+4T>C in individuals affected with C1S-related conditions and no experimental evidence demonstrating its impact on protein function have been reported. ClinVar contains an entry for this variant (Variation ID: 1399645). Based on the evidence outlined above, the variant was classified as uncertain significance.

Blueprint Genetics
Classification: Likely benign. Last evaluated: 2024-09-06. Review status: criteria provided, single submitter. Criteria: ACMG Guidelines, 2015. Collection method: clinical testing. Allele origin: germline.

Literature cited by the submitters: PubMed 17576681 (cited by Labcorp Genetics (formerly Invitae), Labcorp); PubMed 9536098 (cited by Labcorp Genetics (formerly Invitae), Labcorp).